The following is an entry in ClinVar:

NM_001374353.1(GLI2):c.3297C>G (p.Asn1099Lys)

Gene: GLI2 (GLI family zinc finger 2; plus strand). Cytogenetic location: 2q14.2.
Variant type: single nucleotide variant.
Coding change: c.3297C>G on transcript NM_001374353.1 (MANE Select); coding-DNA position 3297, C replaced by G.
Protein change: p.Asn1099Lys; replaces asparagine 1099 with lysine.
Molecular consequence: missense variant.
Genome position (GRCh38, 1-based): chr2:120,989,262, C>G. VCF-style: chr2-120989262-C-G. GRCh37 (hg19) VCF-style: chr2-121746838-C-G.
Other names: c.3348C>G, p.Asn1116Lys (NM_001371271.1, NM_005270.5); c.2922C>G, p.Asn974Lys (NM_001374354.1); short protein forms N1099K, N1116K, N974K.
Identifiers: ClinVar variation 977414 (VCV000977414.9), dbSNP rs368638181, ClinGen allele CA1852369.

ClinVar aggregate classification (germline): Conflicting classifications of pathogenicity. Review status: criteria provided, conflicting classifications (1 of 4 stars). 4 submissions from 4 submitters: Uncertain significance (3); Likely benign (1). Last evaluated 2025-10-17.

Conditions:
Inborn genetic diseases. Identifiers: MedGen C0950123, MeSH D030342.
Holoprosencephaly 9 (HPE9). Also called: PITUITARY ANOMALIES WITH HOLOPROSENCEPHALY-LIKE FEATURES; HOLOPROSENCEPHALY WITH MICROPHTHALMIA AND FIRST BRANCHIAL ARCH ANOMALIES. Identifiers: Orphanet 2162, MedGen C1835819, MONDO:0012563, OMIM 610829.
Postaxial polydactyly-anterior pituitary anomalies-facial dysmorphism syndrome. Also called: Culler-Jones syndrome. Identifiers: Orphanet 420584, MedGen C4014479, MONDO:0014369, OMIM 615849.

Allele frequency attached by ClinVar (database versions not stated): ESP Exome Variant Server 0.00008; TOPMed 0.00012; 1000 Genomes Project 30x 0.00016; 1000 Genomes Project 0.00020; ExAC 0.00009.
gnomAD v4.1: 60 of 1,613,132 alleles (0.0037%); highest among the groups gnomAD compares: African/African-American, 0.031%; no homozygotes.

Submissions (4):

Labcorp Genetics (formerly Invitae), Labcorp
Classification: Uncertain significance for Postaxial polydactyly-anterior pituitary anomalies-facial dysmorphism syndrome; Holoprosencephaly 9. Last evaluated: 2025-10-17. Review status: criteria provided, single submitter. Criteria: Invitae Variant Classification Sherloc (09022015). Collection method: clinical testing. Allele origin: germline.
Comment: This sequence change replaces asparagine, which is neutral and polar, with lysine, which is basic and polar, at codon 1116 of the GLI2 protein (p.Asn1116Lys). This variant is present in population databases (rs368638181, gnomAD 0.03%). This variant has not been reported in the literature in individuals affected with GLI2-related conditions. ClinVar contains an entry for this variant (Variation ID: 977414). Invitae Evidence Modeling of protein sequence and biophysical properties (such as structural, functional, and spatial information, amino acid conservation, physicochemical variation, residue mobility, and thermodynamic stability) indicates that this missense variant is not expected to disrupt GLI2 protein function with a negative predictive value of 80%. Algorithms developed to predict the effect of sequence changes on RNA splicing suggest that this variant may create or strengthen a splice site. In summary, the available evidence is currently insufficient to determine the role of this variant in disease. Therefore, it has been classified as a Variant of Uncertain Significance.

Ambry Genetics
Classification: Likely benign for Inborn genetic diseases. Last evaluated: 2023-01-24. Review status: criteria provided, single submitter. Criteria: Ambry Variant Classification Scheme 2023. Collection method: clinical testing. Allele origin: germline.

New York Genome Center
Classification: Uncertain significance for Holoprosencephaly 9. Last evaluated: 2022-01-07. Review status: criteria provided, single submitter. Criteria: NYGC Assertion Criteria 2020. Collection method: clinical testing. Allele origin: germline. Observed: 1 heterozygote. Study: CSER-NYCKidSeq.

Fulgent Genetics
Classification: Uncertain significance for Holoprosencephaly 9; Postaxial polydactyly-anterior pituitary anomalies-facial dysmorphism syndrome. Last evaluated: 2021-07-24. Review status: criteria provided, single submitter. Criteria: ACMG Guidelines, 2015. Collection method: clinical testing. Allele origin: unknown.